The following is an entry in ClinVar:

ClinVar aggregate classification (germline): Likely benign. Review status: criteria provided, single submitter (1 of 4 stars). 2 submissions from 2 submitters: Likely benign (1). 1 of the submissions does not count toward it. Last evaluated 2025-05-26.

Conditions:
WFS1-related disorder. Identifiers: MedGen CN379391, MONDO:0700293.

Allele frequency attached by ClinVar (database versions not stated): gnomAD 0.00003; ESP Exome Variant Server 0.00008; ExAC 0.00002; TOPMed 0.00004.
gnomAD v4.1: 8 of 1,613,922 alleles (0.0005%); highest among the groups gnomAD compares: African/African-American, 0.011%; no homozygotes.

Submissions (2):

Labcorp Genetics (formerly Invitae), Labcorp
Classification: Likely benign. Last evaluated: 2025-05-26. Review status: criteria provided, single submitter. Criteria: Invitae Variant Classification Sherloc (09022015). Collection method: clinical testing. Allele origin: germline.

PreventionGenetics, part of Exact Sciences
Classification: Likely benign for WFS1-related condition. Last evaluated: 2021-01-28. Review status: no assertion criteria provided. Collection method: clinical testing. Allele origin: germline. Not counted in ClinVar's aggregate classification.
Comment: This variant is classified as likely benign based on ACMG/AMP sequence variant interpretation guidelines (Richards et al. 2015 PMID: 25741868, with internal and published modifications).

NM_006005.3(WFS1):c.894G>A (p.Glu298=)

Gene: WFS1 (wolframin ER transmembrane glycoprotein; plus strand). Cytogenetic location: 4p16.1.
Variant type: single nucleotide variant.
Coding change: c.894G>A on transcript NM_006005.3 (MANE Select); coding-DNA position 894, G replaced by A.
Protein change: p.Glu298=; no amino-acid change (glutamic acid 298 retained).
Molecular consequence: synonymous variant.
Genome position (GRCh38, 1-based): chr4:6,300,689, G>A. VCF-style: chr4-6300689-G-A. GRCh37 (hg19) VCF-style: chr4-6302416-G-A.
Other names: c.894G>A, p.Glu298= (NM_001145853.1).
Identifiers: ClinVar variation 2864199 (VCV002864199.5), dbSNP rs367605880, ClinGen allele CA2839143.